The following is an entry in ClinVar:

ClinVar aggregate classification (germline): Benign/Likely benign. Review status: criteria provided, single submitter (1 of 4 stars). 2 submissions from 1 submitter: Benign (1); Likely benign (1). Last evaluated 2018-01-12.

Conditions:
Dilated cardiomyopathy 1U. Identifiers: Orphanet 154, MedGen C3160720, MONDO:0013371, OMIM 613694.
Alzheimer disease 3 (AD3). Also called: ALZHEIMER DISEASE, FAMILIAL, 3. Identifiers: Orphanet 1020, MedGen C1843013, MONDO:0011913, OMIM 607822.

Allele frequency attached by ClinVar (database versions not stated): gnomAD 0.01508 and 0.01604; TOPMed 0.01708; 1000 Genomes Project 0.02276; 1000 Genomes Project 30x 0.02374.

Submissions (2):

Illumina Laboratory Services, Illumina
Classification: Benign for Alzheimer disease 3. Last evaluated: 2018-01-12. Review status: criteria provided, single submitter. Criteria: ICSL Variant Classification Criteria 13 December 2019. Collection method: clinical testing. Allele origin: germline.
Comment: This variant was observed in the ICSL laboratory as part of a predisposition screen in an ostensibly healthy population. It had not been previously curated by ICSL or reported in the Human Gene Mutation Database (HGMD: prior to June 1st, 2018), and was therefore a candidate for classification through an automated scoring system. Utilizing variant allele frequency, disease prevalence and penetrance estimates, and inheritance mode, an automated score was calculated to assess if this variant is too frequent to cause the disease. Based on the score and internal cut-off values, a variant classified as benign is not then subjected to further curation. The score for this variant resulted in a classification of benign for this disease.

Illumina Laboratory Services, Illumina
Classification: Likely benign for Dilated cardiomyopathy 1U. Last evaluated: 2018-01-12. Review status: criteria provided, single submitter. Criteria: ICSL Variant Classification Criteria 13 December 2019. Collection method: clinical testing. Allele origin: germline.
Comment: This variant was observed in the ICSL laboratory as part of a predisposition screen in an ostensibly healthy population. It had not been previously curated by ICSL or reported in the Human Gene Mutation Database (HGMD: prior to June 1st, 2018), and was therefore a candidate for classification through an automated scoring system. Utilizing variant allele frequency, disease prevalence and penetrance estimates, and inheritance mode, an automated score was calculated to assess if this variant is too frequent to cause the disease. Based on the score and internal cut-off values, a variant classified as likely benign is not then subjected to further curation. The score for this variant resulted in a classification of likely benign for this disease.

NM_000021.4(PSEN1):c.*2430T>C

Gene: PSEN1 (presenilin 1; plus strand). Cytogenetic location: 14q24.2.
Variant type: single nucleotide variant.
Coding change: c.*2430T>C on transcript NM_000021.4 (MANE Select); 2430 bases downstream of the stop codon, T replaced by C.
Molecular consequence: 3 prime UTR variant.
Genome position (GRCh38, 1-based): chr14:73,221,719, T>C. VCF-style: chr14-73221719-T-C. GRCh37 (hg19) VCF-style: chr14-73688427-T-C.
Other names: c.*2430T>C (NM_007318.3).
Identifiers: ClinVar variation 313984 (VCV000313984.5), dbSNP rs362388, ClinGen allele CA10635173.